The following is an entry in ClinVar:

NM_005901.6(SMAD2):c.1245A>G (p.Arg415=)

Gene: SMAD2 (SMAD family member 2; minus strand). Cytogenetic location: 18q21.1.
Variant type: single nucleotide variant.
Coding change: c.1245A>G on transcript NM_005901.6 (MANE Select); coding-DNA position 1245, A replaced by G.
Protein change: p.Arg415=; no amino-acid change (arginine 415 retained).
Molecular consequence: synonymous variant.
Genome position (GRCh38, 1-based): chr18:47,845,375, T>C on the plus strand (A>G on the coding strand, the complement: SMAD2 is on the minus strand). VCF-style: chr18-47845375-T-C. GRCh37 (hg19) VCF-style: chr18-45371746-T-C.
Other names: p.Arg415=; c.1245A>G, p.Arg415= (NM_001003652.4); c.1155A>G, p.Arg385= (NM_001135937.3).
Identifiers: ClinVar variation 1592822 (VCV001592822.12), dbSNP rs772311710, ClinGen allele CA8956052.

ClinVar aggregate classification (germline): Likely benign. Review status: criteria provided, multiple submitters, no conflicts (2 of 4 stars). 4 submissions from 4 submitters: Likely benign (4). Last evaluated 2026-02-01.

Conditions:
Inborn genetic diseases. Identifiers: MedGen C0950123, MeSH D030342.

Allele frequency attached by ClinVar (database versions not stated): gnomAD exomes 0.00003 and 0.00008; gnomAD 0.00004 and 0.00005; ExAC 0.00007; TOPMed 0.00008.
gnomAD v4.1: 63 of 1,613,828 alleles (0.0039%); highest among the groups gnomAD compares: Middle Eastern, 0.082%; no homozygotes.

Submissions (4):

Labcorp Genetics (formerly Invitae), Labcorp
Classification: Likely benign. Last evaluated: 2026-02-01. Review status: criteria provided, single submitter. Criteria: Invitae Variant Classification Sherloc (09022015). Collection method: clinical testing. Allele origin: germline.

Mayo Clinic Laboratories, Mayo Clinic
Classification: Likely benign. Last evaluated: 2025-10-17. Review status: criteria provided, single submitter. Criteria: ACMG Guidelines, 2015. Collection method: clinical testing. Allele origin: germline. Observed: 1 variant allele.
Comment: BP4, BP7

Ambry Genetics
Classification: Likely benign for Inborn genetic diseases. Last evaluated: 2019-12-08. Review status: criteria provided, single submitter. Criteria: Ambry Variant Classification Scheme 2023. Collection method: clinical testing. Allele origin: germline.

Breakthrough Genomics
Classification: Likely benign. Review status: criteria provided, single submitter. Criteria: ACMG Guidelines, 2015. Collection method: not provided. Allele origin: germline. Inheritance: Autosomal dominant inheritance. Affected: yes.